The following is an entry in ClinVar:

ClinVar aggregate classification (germline): Uncertain significance (1 of 4 stars; one submission).

Conditions:
Joubert syndrome. Also called: Familial aplasia of the vermis; JOUBERT-BOLTSHAUSER SYNDROME. Identifiers: Orphanet 475, MedGen C5979921, MONDO:0018772.
Meckel-Gruber syndrome. Also called: Dysencephalia splachnocystica; DYSENCEPHALIA SPLANCHNOCYSTICA; GRUBER SYNDROME. Identifiers: Orphanet 564, MedGen C0265215, MONDO:0018921.

Allele frequency attached by ClinVar (database versions not stated): TOPMed below 0.00001.

Submission:

Labcorp Genetics (formerly Invitae), Labcorp
Classification: Uncertain significance for Joubert syndrome; Meckel-Gruber syndrome. Last evaluated: 2022-11-15. Review status: criteria provided, single submitter. Criteria: Invitae Variant Classification Sherloc (09022015). Collection method: clinical testing. Allele origin: germline.
Comment: In summary, the available evidence is currently insufficient to determine the role of this variant in disease. Therefore, it has been classified as a Variant of Uncertain Significance. Advanced modeling of protein sequence and biophysical properties (such as structural, functional, and spatial information, amino acid conservation, physicochemical variation, residue mobility, and thermodynamic stability) performed at Invitae indicates that this missense variant is expected to disrupt CC2D2A protein function. This variant has not been reported in the literature in individuals affected with CC2D2A-related conditions. This variant is not present in population databases (gnomAD no frequency). This sequence change replaces tryptophan, which is neutral and slightly polar, with arginine, which is basic and polar, at codon 1410 of the CC2D2A protein (p.Trp1410Arg).

NM_001378615.1(CC2D2A):c.4228T>C (p.Trp1410Arg)

Genes: CC2D2A (coiled-coil and C2 domain containing 2A; plus strand), FBXL5 (F-box and leucine rich repeat protein 5; minus strand). Cytogenetic location: 4p15.32.
Variant type: single nucleotide variant.
Coding change: c.4228T>C on transcript NM_001378615.1 (MANE Select); coding-DNA position 4228, T replaced by C.
Protein change: p.Trp1410Arg; replaces tryptophan 1410 with arginine.
Molecular consequence: missense variant.
Genome position (GRCh38, 1-based): chr4:15,589,593, T>C. VCF-style: chr4-15589593-T-C. GRCh37 (hg19) VCF-style: chr4-15591216-T-C.
Other names: c.4228T>C, p.Trp1410Arg (NM_001080522.2); c.4081T>C, p.Trp1361Arg (NM_001378617.1); short protein forms W1410R, W1361R.
Identifiers: ClinVar variation 1931134 (VCV001931134.5), dbSNP rs1046227785, ClinGen allele CA92527552.